The following is an entry in ClinVar:

ClinVar aggregate classification (germline): Conflicting classifications of pathogenicity. Review status: criteria provided, conflicting classifications (1 of 4 stars). 3 submissions from 3 submitters: Uncertain significance (1); Likely benign (1). 1 of the submissions does not count toward it. Last evaluated 2023-09-20.

Conditions:
SKIC3-related disorder. Also called: SKIC3-related condition.

Allele frequency attached by ClinVar (database versions not stated): ExAC 0.00004; gnomAD 0.00004 and 0.00005; gnomAD exomes 0.00004; TOPMed 0.00008; ESP Exome Variant Server 0.00038.
gnomAD v4.1: 63 of 1,613,538 alleles (0.0039%); highest among the groups gnomAD compares: Non-Finnish European, 0.0052%; no homozygotes.

Submissions (3):

Blueprint Genetics
Classification: Likely benign. Last evaluated: 2023-09-20. Review status: criteria provided, single submitter. Criteria: ACMG Guidelines, 2015. Collection method: clinical testing. Allele origin: germline.

Labcorp Genetics (formerly Invitae), Labcorp
Classification: Uncertain significance. Last evaluated: 2022-07-30. Review status: criteria provided, single submitter. Criteria: Invitae Variant Classification Sherloc (09022015). Collection method: clinical testing. Allele origin: germline.
Comment: This sequence change replaces glutamic acid, which is acidic and polar, with lysine, which is basic and polar, at codon 1251 of the TTC37 protein (p.Glu1251Lys). This variant is present in population databases (rs140236218, gnomAD 0.008%). This variant has not been reported in the literature in individuals affected with TTC37-related conditions. ClinVar contains an entry for this variant (Variation ID: 1435800). Algorithms developed to predict the effect of missense changes on protein structure and function output the following: SIFT: "Tolerated"; PolyPhen-2: "Benign"; Align-GVGD: "Class C0". The lysine amino acid residue is found in multiple mammalian species, which suggests that this missense change does not adversely affect protein function. In summary, the available evidence is currently insufficient to determine the role of this variant in disease. Therefore, it has been classified as a Variant of Uncertain Significance.

PreventionGenetics, part of Exact Sciences
Classification: Uncertain significance for SKIC3-related condition. Last evaluated: 2024-05-02. Review status: no assertion criteria provided. Collection method: clinical testing. Allele origin: germline. Not counted in ClinVar's aggregate classification.
Comment: The SKIC3 c.3751G>A variant is predicted to result in the amino acid substitution p.Glu1251Lys. To our knowledge, this variant has not been reported in the literature. This variant is reported in 0.0077% of alleles in individuals of European (Non-Finnish) descent in gnomAD. At this time, the clinical significance of this variant is uncertain due to the absence of conclusive functional and genetic evidence.

NM_014639.4(SKIC3):c.3751G>A (p.Glu1251Lys)

Gene: SKIC3 (SKI3 subunit of superkiller complex; minus strand). Cytogenetic location: 5q15.
Variant type: single nucleotide variant.
Coding change: c.3751G>A on transcript NM_014639.4 (MANE Select); coding-DNA position 3751, G replaced by A.
Protein change: p.Glu1251Lys; replaces glutamic acid 1251 with lysine.
Molecular consequence: missense variant.
Genome position (GRCh38, 1-based): chr5:95,494,733, C>T on the plus strand (G>A on the coding strand, the complement: SKIC3 is on the minus strand). VCF-style: chr5-95494733-C-T. GRCh37 (hg19) VCF-style: chr5-94830437-C-T.
Other names: c.3751G>A (NM_014639.3); short protein forms E1251K.
Identifiers: ClinVar variation 1435800 (VCV001435800.7), dbSNP rs140236218, ClinGen allele CA3346610.